The following is an entry in ClinVar:

NM_002299.4(LCT):c.5363G>A (p.Gly1788Glu)

Gene: LCT (lactase; minus strand). Cytogenetic location: 2q21.3.
Variant type: single nucleotide variant.
Coding change: c.5363G>A on transcript NM_002299.4 (MANE Select); coding-DNA position 5363, G replaced by A.
Protein change: p.Gly1788Glu; replaces glycine 1788 with glutamic acid.
Molecular consequence: missense variant.
Genome position (GRCh38, 1-based): chr2:135,789,771, C>T on the plus strand (G>A on the coding strand, the complement: LCT is on the minus strand). VCF-style: chr2-135789771-C-T. GRCh37 (hg19) VCF-style: chr2-136547341-C-T.
Other names: short protein forms G1788E.
Identifiers: ClinVar variation 4807098 (VCV004807098.1).

ClinVar aggregate classification (germline): Uncertain significance (1 of 4 stars; one submission).

gnomAD v4.1: 1 of 1,614,070 alleles (0.000062%); highest among the groups gnomAD compares: African/African-American, 0.0013%; no homozygotes.

Submission:

Labcorp Genetics (formerly Invitae), Labcorp
Classification: Uncertain significance. Last evaluated: 2025-12-08. Review status: criteria provided, single submitter. Criteria: Invitae Variant Classification Sherloc (09022015). Collection method: clinical testing. Allele origin: germline.
Comment: This sequence change replaces glycine, which is neutral and non-polar, with glutamic acid, which is acidic and polar, at codon 1788 of the LCT protein (p.Gly1788Glu). This variant is present in population databases (no rsID available, gnomAD 0.01%). This variant has not been reported in the literature in individuals affected with LCT-related conditions. Invitae Evidence Modeling of protein sequence and biophysical properties (such as structural, functional, and spatial information, amino acid conservation, physicochemical variation, residue mobility, and thermodynamic stability) indicates that this missense variant is expected to disrupt LCT protein function with a positive predictive value of 80%. In summary, the available evidence is currently insufficient to determine the role of this variant in disease. Therefore, it has been classified as a Variant of Uncertain Significance.